The following is an entry in ClinVar:

ClinVar aggregate classification (germline): Uncertain significance (1 of 4 stars; one submission).

Submission:

GeneDx
Classification: Uncertain significance. Last evaluated: 2019-11-22. Review status: criteria provided, single submitter. Criteria: GeneDx Variant Classification Process June 2021. Collection method: clinical testing. Allele origin: germline. Affected: yes.
Comment: Not observed in large population cohorts (Lek et al., 2016); In silico analysis, which includes protein predictors and evolutionary conservation, supports that this variant does not alter protein structure/function; Has not been previously published as pathogenic or benign to our knowledge

NM_001849.4(COL6A2):c.2394C>G (p.Ile798Met)

Gene: COL6A2 (collagen type VI alpha 2 chain; plus strand). Cytogenetic location: 21q22.3.
Variant type: single nucleotide variant.
Coding change: c.2394C>G on transcript NM_001849.4 (MANE Select); coding-DNA position 2394, C replaced by G.
Protein change: p.Ile798Met; replaces isoleucine 798 with methionine.
Molecular consequence: missense variant.
Genome position (GRCh38, 1-based): chr21:46,126,209, C>G. VCF-style: chr21-46126209-C-G. GRCh37 (hg19) VCF-style: chr21-47546123-C-G.
Other names: c.2394C>G, p.Ile798Met (NM_058174.3, NM_058175.3); short protein forms I798M.
Identifiers: ClinVar variation 1310539 (VCV001310539.2), dbSNP rs756575729, ClinGen allele CA410543018.
Genomic context (GRCh38, chr21:46,126,209, plus strand): 5'-CAAGCCACAGCAGGTGCGCAACATGACGCTGTTCTCCGACCTGGTCGCTGAGAAGTTCAT[C>G]GATGACATGGAGGACGTCCTCTGCCCGGGTGAGCGTGTGGGCGCGGGGCAGTCGGCCGAG-3'
Protein context (NP_001840.3, residues 788-808): LFSDLVAEKF[Ile798Met]DDMEDVLCPD